The following is an entry in ClinVar:

ClinVar aggregate classification (germline): Likely benign. Review status: criteria provided, multiple submitters, no conflicts (2 of 4 stars). 3 submissions from 3 submitters: Likely benign (3). Last evaluated 2025-11-21.

Conditions:
ATP1A1-related disorder. Also called: ATP1A1-related condition.

Allele frequency attached by ClinVar (database versions not stated): ExAC 0.00012; TOPMed 0.00012; gnomAD 0.00013 and 0.00015; gnomAD exomes 0.00014 and 0.00020; ESP Exome Variant Server 0.00023.
gnomAD v4.1: 319 of 1,614,174 alleles (0.02%); highest among the groups gnomAD compares: Non-Finnish European, 0.025%; no homozygotes.

Submissions (3):

Labcorp Genetics (formerly Invitae), Labcorp
Classification: Likely benign. Last evaluated: 2025-11-21. Review status: criteria provided, single submitter. Criteria: Invitae Variant Classification Sherloc (09022015). Collection method: clinical testing. Allele origin: germline.

PreventionGenetics, part of Exact Sciences
Classification: Likely benign for ATP1A1-related condition. Last evaluated: 2025-03-18. Review status: criteria provided, single submitter. Criteria: ACMG Guidelines, 2015. Collection method: clinical testing. Allele origin: germline.
Comment: This variant is classified as likely benign based on ACMG/AMP sequence variant interpretation guidelines (Richards et al. 2015 PMID: 25741868, with internal and published modifications).

Blueprint Genetics
Classification: Likely benign. Last evaluated: 2024-10-21. Review status: criteria provided, single submitter. Criteria: ACMG Guidelines, 2015. Collection method: clinical testing. Allele origin: germline.

NM_000701.8(ATP1A1):c.1572C>T (p.His524=)

Genes: ATP1A1 (ATPase Na+/K+ transporting subunit alpha 1; plus strand), ATP1A1-AS1 (ATP1A1 antisense RNA 1; minus strand). Cytogenetic location: 1p13.1.
Variant type: single nucleotide variant.
Coding change: c.1572C>T on transcript NM_000701.8 (MANE Select); coding-DNA position 1572, C replaced by T.
Protein change: p.His524=; no amino-acid change (histidine 524 retained).
Molecular consequence: synonymous variant.
Genome position (GRCh38, 1-based): chr1:116,393,635, C>T. VCF-style: chr1-116393635-C-T. GRCh37 (hg19) VCF-style: chr1-116936257-C-T.
Other names: c.1572C>T, p.His524= (NM_001160233.2); c.1479C>T, p.His493= (NM_001160234.2); c.1572C>T (NM_000701.7).
Identifiers: ClinVar variation 1575048 (VCV001575048.10), dbSNP rs143049236, ClinGen allele CA1025350.